The following is an entry in ClinVar:

ClinVar aggregate classification (germline): Uncertain significance. Review status: criteria provided, multiple submitters, no conflicts (2 of 4 stars). 2 submissions from 2 submitters: Uncertain significance (2). Last evaluated 2025-05-16.

Conditions:
Inborn genetic diseases. Identifiers: MedGen C0950123, MeSH D030342.
Leukocyte adhesion deficiency 1 (LAD1). Also called: LEUKOCYTE ADHESION DEFICIENCY, TYPE I; LAD 1; Lymphocyte function-associated antigen 1 immunodeficiency; LFA 1 immunodeficiency. Identifiers: Orphanet 2968, Orphanet 99842, MedGen C0398738, MONDO:0007293, OMIM 116920.

Allele frequency attached by ClinVar (database versions not stated): gnomAD exomes below 0.00001; TOPMed below 0.00001.
gnomAD v4.1: 1 of 1,614,092 alleles (0.000062%); highest among the groups gnomAD compares: Admixed American, 0.0017%; no homozygotes.

Submissions (2):

Ambry Genetics
Classification: Uncertain significance for Inborn genetic diseases. Last evaluated: 2025-05-16. Review status: criteria provided, single submitter. Criteria: Ambry Variant Classification Scheme 2023. Collection method: clinical testing. Allele origin: germline.

Labcorp Genetics (formerly Invitae), Labcorp
Classification: Uncertain significance for Leukocyte adhesion deficiency 1. Last evaluated: 2025-01-20. Review status: criteria provided, single submitter. Criteria: Invitae Variant Classification Sherloc (09022015). Collection method: clinical testing. Allele origin: germline.
Comment: This sequence change replaces aspartic acid, which is acidic and polar, with glycine, which is neutral and non-polar, at codon 401 of the ITGB2 protein (p.Asp401Gly). This variant is not present in population databases (gnomAD no frequency). This variant has not been reported in the literature in individuals affected with ITGB2-related conditions. ClinVar contains an entry for this variant (Variation ID: 1925486). Invitae Evidence Modeling of protein sequence and biophysical properties (such as structural, functional, and spatial information, amino acid conservation, physicochemical variation, residue mobility, and thermodynamic stability) has been performed for this missense variant. However, the output from this modeling did not meet the statistical confidence thresholds required to predict the impact of this variant on ITGB2 protein function. In summary, the available evidence is currently insufficient to determine the role of this variant in disease. Therefore, it has been classified as a Variant of Uncertain Significance.

NM_000211.5(ITGB2):c.1202A>G (p.Asp401Gly)

Gene: ITGB2 (integrin subunit beta 2; minus strand). Cytogenetic location: 21q22.3.
Variant type: single nucleotide variant.
Coding change: c.1202A>G on transcript NM_000211.5 (MANE Select); coding-DNA position 1202, A replaced by G.
Protein change: p.Asp401Gly; replaces aspartic acid 401 with glycine.
Molecular consequence: missense variant.
Genome position (GRCh38, 1-based): chr21:44,893,426, T>C on the plus strand (A>G on the coding strand, the complement: ITGB2 is on the minus strand). VCF-style: chr21-44893426-T-C. GRCh37 (hg19) VCF-style: chr21-46313341-T-C.
Other names: c.1202A>G, p.Asp401Gly (NM_001127491.3); c.995A>G, p.Asp332Gly (NM_001303238.2); short protein forms D332G, D401G.
Identifiers: ClinVar variation 1925486 (VCV001925486.5), dbSNP rs2083819172, ClinGen allele CA410485690.
Genomic context (GRCh38, chr21:44,893,426, plus strand): 5'-CAGCAAGCTGGGATGGGGACCCTTGTGGCCAGGCTCACCGGGACATTGATCTGCACGCCA[T>C]CACAGTCACCTCTGGGCTGGTTCCTGTGCGTCACTCCATTGCTGCAGAAGGAGTCGTAGG-3'
Protein context (NP_000202.3, residues 391-411): THRNQPRGDC[Asp401Gly]GVQINVPITF